The following is an entry in ClinVar:

ClinVar aggregate classification (germline): Pathogenic. Review status: criteria provided, multiple submitters, no conflicts (2 of 4 stars). 3 submissions from 3 submitters: Pathogenic (2). 1 of the submissions does not count toward it. Last evaluated 2024-01-16.

Conditions:
Intellectual disability. Also called: Intellectual functioning disability; Intellectual developmental disorder; intellectual disabilities. Identifiers: MedGen C3714756, MeSH D008607, MONDO:0001071, HP:0001249.

Submissions (3):

Labcorp Genetics (formerly Invitae), Labcorp
Classification: Pathogenic. Last evaluated: 2024-01-16. Review status: criteria provided, single submitter. Criteria: Invitae Variant Classification Sherloc (09022015). Collection method: clinical testing. Allele origin: germline.
Comment: This sequence change creates a premature translational stop signal (p.Gln476*) in the FOXP1 gene. It is expected to result in an absent or disrupted protein product. Loss-of-function variants in FOXP1 are known to be pathogenic (PMID: 28735298). This variant is not present in population databases (gnomAD no frequency). This variant has not been reported in the literature in individuals affected with FOXP1-related conditions. ClinVar contains an entry for this variant (Variation ID: 1065605). Algorithms developed to predict the effect of sequence changes on RNA splicing suggest that this variant may disrupt the consensus splice site. For these reasons, this variant has been classified as Pathogenic.

GeneDx
Classification: Pathogenic. Last evaluated: 2023-11-30. Review status: criteria provided, single submitter. Criteria: GeneDx Variant Classification Process June 2021. Collection method: clinical testing. Allele origin: germline. Affected: yes.
Comment: Nonsense variant predicted to result in protein truncation or nonsense mediated decay in a gene for which loss of function is a known mechanism of disease; Not observed at significant frequency in large population cohorts (gnomAD); Has not been previously published as pathogenic or benign to our knowledge

Diagnostic Laboratory, Strasbourg University Hospital
Classification: Pathogenic for Intellectual disability. Last evaluated: 2021-05-05. Review status: no assertion criteria provided. Collection method: clinical testing. Allele origin: de novo. Affected: yes. Observed: 1 variant allele, 1 heterozygote. Not counted in ClinVar's aggregate classification.

Literature cited by the submitters: PubMed 28735298 (cited by Labcorp Genetics (formerly Invitae), Labcorp).

NM_001349338.3(FOXP1):c.1426C>T (p.Gln476Ter)

Gene: FOXP1 (forkhead box P1; minus strand). Cytogenetic location: 3p13.
Variant type: single nucleotide variant.
Coding change: c.1426C>T on transcript NM_001349338.3 (MANE Select); coding-DNA position 1426, C replaced by T.
Protein change: p.Gln476Ter; replaces glutamine 476 with a stop codon.
Molecular consequence: nonsense. On other transcripts: non-coding transcript variant (2).
Genome position (GRCh38, 1-based): chr3:70,977,645, G>A on the plus strand (C>T on the coding strand, the complement: FOXP1 is on the minus strand). VCF-style: chr3-70977645-G-A. GRCh37 (hg19) VCF-style: chr3-71026796-G-A.
Other names: c.1123C>T, p.Gln375Ter (NM_001349337.2, NM_001349343.3, NM_001349344.3 and 1 more transcripts); c.1426C>T, p.Gln476Ter (NM_001349340.3, NM_001244810.2, NM_001244814.3 and 2 more transcripts); c.1423C>T, p.Gln475Ter (NM_001349341.3, NM_001244808.3); c.1126C>T, p.Gln376Ter (NM_001349342.3, NM_001244813.3, NM_001244815.2); c.1198C>T, p.Gln400Ter (NM_001244812.3); short protein forms Q375*, Q376*, Q400*, Q475*, Q476*.
Identifiers: ClinVar variation 1065605 (VCV001065605.6), dbSNP rs2107310122, ClinGen allele CA353493198.